The following is an entry in ClinVar:

ClinVar aggregate classification (germline): Uncertain significance (1 of 4 stars; one submission).

Conditions:
Joubert syndrome 16 (JBTS16). Identifiers: Orphanet 2318, MedGen C3280906, MONDO:0013764, OMIM 614465.

Submission:

Labcorp Genetics (formerly Invitae), Labcorp
Classification: Uncertain significance for Joubert syndrome 16. Last evaluated: 2024-05-24. Review status: criteria provided, single submitter. Criteria: Invitae Variant Classification Sherloc (09022015). Collection method: clinical testing. Allele origin: germline.
Comment: This sequence change replaces phenylalanine, which is neutral and non-polar, with leucine, which is neutral and non-polar, at codon 66 of the TMEM138 protein (p.Phe66Leu). This variant is not present in population databases (gnomAD no frequency). This variant has not been reported in the literature in individuals affected with TMEM138-related conditions. ClinVar contains an entry for this variant (Variation ID: 1360404). An algorithm developed to predict the effect of missense changes on protein structure and function (PolyPhen-2) suggests that this variant is likely to be disruptive. In summary, the available evidence is currently insufficient to determine the role of this variant in disease. Therefore, it has been classified as a Variant of Uncertain Significance.

NM_016464.5(TMEM138):c.196T>C (p.Phe66Leu)

Gene: TMEM138 (transmembrane protein 138; plus strand). Cytogenetic location: 11q12.2.
Variant type: single nucleotide variant.
Coding change: c.196T>C on transcript NM_016464.5 (MANE Select); coding-DNA position 196, T replaced by C.
Protein change: p.Phe66Leu; replaces phenylalanine 66 with leucine.
Molecular consequence: missense variant. On other transcripts: non-coding transcript variant (1).
Genome position (GRCh38, 1-based): chr11:61,366,112, T>C. VCF-style: chr11-61366112-T-C. GRCh37 (hg19) VCF-style: chr11-61133584-T-C.
Other names: c.22T>C, p.Phe8Leu (NM_001330281.2); short protein forms F66L, F8L.
Identifiers: ClinVar variation 1360404 (VCV001360404.6), dbSNP rs1858140604, ClinGen allele CA380678927.